The following is an entry in ClinVar:

NM_000051.4(ATM):c.1608-17C>T

Gene: ATM (ATM serine/threonine kinase; plus strand). Cytogenetic location: 11q22.3.
Variant type: single nucleotide variant.
Coding change: c.1608-17C>T on transcript NM_000051.4 (MANE Select); 17 bases into the intron before coding-DNA position 1608, C replaced by T.
Molecular consequence: intron variant.
Genome position (GRCh38, 1-based): chr11:108,251,820, C>T. VCF-style: chr11-108251820-C-T. GRCh37 (hg19) VCF-style: chr11-108122547-C-T.
Other names: c.1608-17C>T (NM_001351834.2).
Identifiers: ClinVar variation 3254076 (VCV003254076.1), dbSNP rs2135338122.

ClinVar aggregate classification (germline): Likely benign (1 of 4 stars; one submission).

Conditions:
Familial cancer of breast. Also called: BREAST CANCER, FAMILIAL; Hereditary breast cancer; hereditary breast carcinoma. Identifiers: Orphanet 227535, MedGen C0346153, MONDO:0016419, OMIM 114480. Disease mechanism: loss of function.

Allele frequency attached by ClinVar (database versions not stated): gnomAD exomes below 0.00001.
gnomAD v4.1: 1 of 1,613,288 alleles (0.000062%); highest among the groups gnomAD compares: Non-Finnish European, 0.000085%; no homozygotes.

Submission:

Myriad Genetics, Inc.
Classification: Likely benign for Familial cancer of breast. Last evaluated: 2024-04-30. Review status: criteria provided, single submitter. Criteria: Myriad Autosomal Dominant, Autosomal Recessive and X-Linked Classification Criteria (2023). Collection method: clinical testing. Allele origin: unknown.
Comment: This variant is considered likely benign. This variant is intronic and is not expected to impact mRNA splicing.